The following is an entry in ClinVar:

NM_182961.4(SYNE1):c.17029T>C (p.Ser5677Pro)

Genes: SYNE1 (spectrin repeat containing nuclear envelope protein 1; minus strand), LOC126859837 (BRD4-independent group 4 enhancer GRCh37_chr6:152630775-152631974; plus strand). Cytogenetic location: 6q25.2.
Variant type: single nucleotide variant.
Coding change: c.17029T>C on transcript NM_182961.4 (MANE Select); coding-DNA position 17029, T replaced by C.
Protein change: p.Ser5677Pro; replaces serine 5677 with proline.
Molecular consequence: missense variant.
Genome position (GRCh38, 1-based): chr6:152,310,008, A>G on the plus strand (T>C on the coding strand, the complement: SYNE1 is on the minus strand). VCF-style: chr6-152310008-A-G. GRCh37 (hg19) VCF-style: chr6-152631143-A-G.
Other names: c.16816T>C, p.Ser5606Pro (NM_033071.5); short protein forms S5677P, S5606P.
Identifiers: ClinVar variation 665567 (VCV000665567.11), dbSNP rs373679435, ClinGen allele CA4055352.
Genomic context (GRCh38, chr6:152,310,008, plus strand): 5'-GGAGGGCACTCTGGCAGAGCTGCACTGCTTGCACCTTCGGCTTCAGTGACTCCATCTCAG[A>G]CAACAAATGCTGAAAATGCAATTTCATAGTTCAAAAATTTAATATTTAAATCATTTATTT-3'
Protein context (NP_892006.3, residues 5667-5687): EQLSHRQHLL[Ser5677Pro]EMESLKPKVQ

ClinVar aggregate classification (germline): Uncertain significance. Review status: criteria provided, multiple submitters, no conflicts (2 of 4 stars). 2 submissions from 2 submitters: Uncertain significance (2). Last evaluated 2021-08-30.

Conditions:
Emery-Dreifuss muscular dystrophy 4, autosomal dominant (EDMD4). Also called: EMERY-DREIFUSS MUSCULAR DYSTROPHY 4 WITH VARIABLE FEATURES. Identifiers: Orphanet 261, MedGen C2751807, MONDO:0013071, OMIM 612998.
Autosomal recessive ataxia, Beauce type. Also called: Spinocerebellar ataxia, autosomal recessive 8; ATAXIA, RECESSIVE, OF BEAUCE; SYNE1-Related Autosomal Recessive Cerebellar Ataxia; SYNE1 Deficiency. Identifiers: Orphanet 88644, MedGen C1853116, MONDO:0012549, OMIM 610743.

Allele frequency attached by ClinVar (database versions not stated): gnomAD exomes 0.00001 and 0.00002; TOPMed 0.00001; ExAC 0.00002; gnomAD 0.00003; ESP Exome Variant Server 0.00015.
gnomAD v4.1: 14 of 1,613,752 alleles (0.00087%); highest among the groups gnomAD compares: African/African-American, 0.008%; no homozygotes.

Submissions (2):

Labcorp Genetics (formerly Invitae), Labcorp
Classification: Uncertain significance for Emery-Dreifuss muscular dystrophy 4, autosomal dominant; Autosomal recessive ataxia, Beauce type. Last evaluated: 2021-08-30. Review status: criteria provided, single submitter. Criteria: Invitae Variant Classification Sherloc (09022015). Collection method: clinical testing. Allele origin: germline.
Comment: This sequence change replaces serine with proline at codon 5606 of the SYNE1 protein (p.Ser5606Pro). The serine residue is highly conserved and there is a moderate physicochemical difference between serine and proline. This variant is present in population databases (rs373679435, ExAC 0.02%). This variant has not been reported in the literature in individuals with SYNE1-related disease. Algorithms developed to predict the effect of missense changes on protein structure and function (SIFT, PolyPhen-2, Align-GVGD) all suggest that this variant is likely to be disruptive, but these predictions have not been confirmed by published functional studies and their clinical significance is uncertain. In summary, the available evidence is currently insufficient to determine the role of this variant in disease. Therefore, it has been classified as a Variant of Uncertain Significance.

Revvity Omics, Revvity
Classification: Uncertain significance. Last evaluated: 2019-02-05. Review status: criteria provided, single submitter. Criteria: ACMG Guidelines, 2015. Collection method: clinical testing. Allele origin: germline.